The following is an entry in ClinVar:

NM_000384.3(APOB):c.6273A>G (p.Val2091=)

Gene: APOB (apolipoprotein B; minus strand). Cytogenetic location: 2p24.1.
Variant type: single nucleotide variant.
Coding change: c.6273A>G on transcript NM_000384.3 (MANE Select); coding-DNA position 6273, A replaced by G.
Protein change: p.Val2091=; no amino-acid change (valine 2091 retained).
Molecular consequence: synonymous variant.
Genome position (GRCh38, 1-based): chr2:21,010,595, T>C on the plus strand (A>G on the coding strand, the complement: APOB is on the minus strand). VCF-style: chr2-21010595-T-C. GRCh37 (hg19) VCF-style: chr2-21233467-T-C.
Identifiers: ClinVar variation 3234158 (VCV003234158.21), dbSNP rs1558564359, ClinGen allele CA425345798.

ClinVar aggregate classification (germline): Likely benign. Review status: criteria provided, multiple submitters, no conflicts (2 of 4 stars). 2 submissions from 2 submitters: Likely benign (2). Last evaluated 2025-02-13.

Conditions:
Familial hypobetalipoproteinemia 1. Also called: APOB-Related Familial Hypobetalipoproteinemia; Hypobetalipoproteinemia, normotriglyceridemic; Acanthocytosis with hypobetalipoproteinemia. Identifiers: MedGen C4551990, MONDO:0014252, OMIM 615558.
Hypercholesterolemia, autosomal dominant, type B (FHCL2). Also called: Familial Hypercholesterolemia Type B; APOLIPOPROTEIN B-100, FAMILIAL DEFECTIVE; APOLIPOPROTEIN B-100, FAMILIAL LIGAND-DEFECTIVE; HYPERCHOLESTEROLEMIA, FAMILIAL, DUE TO LIGAND-DEFECTIVE APOLIPOPROTEIN B; Hyperlipoproteinemia Type IIb; Familial hypercholesterolemia 2. Identifiers: MedGen C1704417, MONDO:0007751, OMIM 144010.

Allele frequency attached by ClinVar (database versions not stated): gnomAD exomes below 0.00001.
gnomAD v4.1: 3 of 1,614,056 alleles (0.00019%); highest among the groups gnomAD compares: Non-Finnish European, 0.00025%; no homozygotes.

Submissions (2):

Labcorp Genetics (formerly Invitae), Labcorp
Classification: Likely benign for Familial hypobetalipoproteinemia 1; Hypercholesterolemia, autosomal dominant, type B. Last evaluated: 2025-02-13. Review status: criteria provided, single submitter. Criteria: Invitae Variant Classification Sherloc (09022015). Collection method: clinical testing. Allele origin: germline.

CeGaT Center for Human Genetics Tuebingen
Classification: Likely benign. Last evaluated: 2024-04-01. Review status: criteria provided, single submitter. Criteria: CeGaT Center For Human Genetics Tuebingen Variant Classification Criteria Version 2. Collection method: clinical testing. Allele origin: germline. Affected: yes. Observed: 1 variant allele.
Comment: APOB: BP4, BP7